The following is an entry in ClinVar:

NM_000138.5(FBN1):c.4349G>T (p.Cys1450Phe)

Gene: FBN1 (fibrillin 1; minus strand). Cytogenetic location: 15q21.1.
Variant type: single nucleotide variant.
Coding change: c.4349G>T on transcript NM_000138.5 (MANE Select); coding-DNA position 4349, G replaced by T.
Protein change: p.Cys1450Phe; replaces cysteine 1450 with phenylalanine.
Molecular consequence: missense variant.
Genome position (GRCh38, 1-based): chr15:48,470,744, C>A on the plus strand (G>T on the coding strand, the complement: FBN1 is on the minus strand). VCF-style: chr15-48470744-C-A. GRCh37 (hg19) VCF-style: chr15-48762941-C-A.
Other names: short protein forms C1450F.
Identifiers: ClinVar variation 626880 (VCV000626880.13), dbSNP rs1555397419, ClinGen allele CA392354787.
Genomic context (GRCh38, chr15:48,470,744, plus strand): 5'-CAGCGGAACAGGCCAGGGAGGTTGTGGCAAGTTCCAAAGACACAGATGTTCGGAAGGGAG[C>A]ACTCATCAATATCTTGGGGGGAGGGAGAAAAAAGCAAAAAACTTAACTTATATTTTTCTA-3'
Protein context (NP_000129.3, residues 1440-1460): DGKACEDIDE[Cys1450Phe]SLPNICVFGT

ClinVar aggregate classification (germline): Pathogenic/Likely pathogenic. Review status: criteria provided, multiple submitters, no conflicts (2 of 4 stars). 3 submissions from 3 submitters: Pathogenic (1); Likely pathogenic (2). Last evaluated 2019-12-06.

Conditions:
Familial thoracic aortic aneurysm and aortic dissection (TAAD). Also called: Thoracic aortic aneurysms and dissections. Identifiers: Orphanet 91387, MedGen C4707243, MONDO:0019625.
Marfan syndrome (MFS). Also called: FBN1-Related Marfan Syndrome; Marfan syndrome type 1; Marfan's syndrome; Marfan syndrome, classic; MARFAN SYNDROME, TYPE I. Identifiers: Orphanet 284963, Orphanet 558, MedGen C0024796, MONDO:0007947, OMIM 154700.

Submissions (3):

CHEO Genetics Diagnostic Laboratory, Children's Hospital of Eastern Ontario
Classification: Likely pathogenic for Familial thoracic aortic aneurysm and aortic dissection. Last evaluated: 2019-12-06. Review status: criteria provided, single submitter. Criteria: ACMG Guidelines, 2015. Collection method: clinical testing. Allele origin: germline.

Labcorp Genetics (formerly Invitae), Labcorp
Classification: Pathogenic for Marfan syndrome; Familial thoracic aortic aneurysm and aortic dissection. Last evaluated: 2019-05-30. Review status: criteria provided, single submitter. Criteria: Invitae Variant Classification Sherloc (09022015). Collection method: clinical testing. Allele origin: germline.
Comment: This sequence change replaces cysteine with phenylalanine at codon 1450 of the FBN1 protein (p.Cys1450Phe). The cysteine residue is highly conserved and there is a large physicochemical difference between cysteine and phenylalanine. This variant is not present in population databases (ExAC no frequency). ClinVar contains an entry for this variant (Variation ID: 626880). Algorithms developed to predict the effect of missense changes on protein structure and function (SIFT, PolyPhen-2, Align-GVGD) all suggest that this variant is likely to be disruptive, but these predictions have not been confirmed by published functional studies and their clinical significance is uncertain. This variant disrupts the p.Cys1450 amino acid residue in FBN1. Other variant(s) that disrupt this residue have been observed in individuals with FBN1-related conditions (PMID: 17253931, 19159394, Invitae), which suggests that this may be a clinically significant amino acid residue. For these reasons, this variant has been classified as Pathogenic.

Neuberg Centre For Genomic Medicine, NCGM
Classification: Likely pathogenic for Marfan syndrome. Review status: criteria provided, single submitter. Criteria: ACMG Guidelines, 2015. Collection method: clinical testing. Allele origin: germline. Inheritance: Autosomal dominant inheritance. Affected: yes.
Comment: The missense variant c.4349G>T (p.Cys1450Phe) in FBN1 gene has been observed in an individual affected with FBN1-related disease (Soylen B et.al.,2009). This variant disrupts the p.Cys1450 amino acid residue in FBN1. Other variant(s) that disrupt this residue have been observed in individuals with FBN1-related conditions (Soylen B et.al.,2009 ; Tjeldhorn L et.al.,2006, Invitae), which suggests that this may be a clinically significant amino acid residue. This variant has been reported to the ClinVar database as Pathogenic/Likely Pathogenic. The p.Cys1450Phe variant is novel (not in any individuals) in gnomAD Exomes and 1000 Genomes. The amino acid Cys at position 1450 is changed to a Phe changing protein sequence and it might alter its composition and physico-chemical properties. The amino acid change p.Cys1450Phe in FBN1 is predicted as conserved by GERP++ and PhyloP across 100 vertebrates. For these reasons, this variant has been classified as Likely Pathogenic .

Literature cited by the submitters: PubMed 17253931 (cited by Labcorp Genetics (formerly Invitae), Labcorp); PubMed 19159394 (cited by Labcorp Genetics (formerly Invitae), Labcorp).